The following is an entry in ClinVar:

ClinVar aggregate classification (germline): Pathogenic. Review status: criteria provided, multiple submitters, no conflicts (2 of 4 stars). 2 submissions from 2 submitters: Pathogenic (2). Last evaluated 2021-08-04.

Conditions:
Duchenne muscular dystrophy (DMD). Also called: Duchenne Muscular Dystrophy (DMD); MUSCULAR DYSTROPHY, PSEUDOHYPERTROPHIC PROGRESSIVE, DUCHENNE TYPE. Identifiers: Orphanet 98896, MedGen C0013264, MONDO:0010679, OMIM 310200.

Submissions (2):

Labcorp Genetics (formerly Invitae), Labcorp
Classification: Pathogenic for Duchenne muscular dystrophy. Last evaluated: 2021-08-04. Review status: criteria provided, single submitter. Criteria: Invitae Variant Classification Sherloc (09022015). Collection method: clinical testing. Allele origin: germline.
Comment: ClinVar contains an entry for this variant (Variation ID: 287693). For these reasons, this variant has been classified as Pathogenic. This variant has not been reported in the literature in individuals affected with DMD-related conditions. This sequence change creates a premature translational stop signal (p.Val685Asnfs*34) in the DMD gene. It is expected to result in an absent or disrupted protein product. Loss-of-function variants in DMD are known to be pathogenic (PMID: 16770791, 25007885). This variant is not present in population databases (ExAC no frequency).

Eurofins Ntd Llc (ga)
Classification: Pathogenic. Last evaluated: 2016-05-12. Review status: criteria provided, single submitter. Criteria: EGL Classification Definitions 2015. Collection method: clinical testing. Allele origin: germline. Observed: 1 variant allele, 1 hemizygote.

Literature cited by the submitters: PubMed 16770791 (cited by Labcorp Genetics (formerly Invitae), Labcorp); PubMed 25007885 (cited by Labcorp Genetics (formerly Invitae), Labcorp).

NM_004006.3(DMD):c.2052_2053del (p.Val685fs)

Gene: DMD (dystrophin; minus strand). Cytogenetic location: Xp21.1.
Variant type: Deletion.
Coding change: c.2052_2053del on transcript NM_004006.3 (MANE Select); coding-DNA positions 2052 to 2053, 2 bases deleted (AG; older notation c.2052_2053delAG).
Protein change: p.Val685fs; shifts the reading frame from valine 685.
Molecular consequence: frameshift variant.
Genome position (GRCh38, 1-based): chrX:32,545,274-32,545,275, CT deleted on the plus strand (AG on the coding strand, the reverse complement: DMD is on the minus strand). VCF-style (leftmost placement, unchanged base first): chrX-32545273-ACT-A. GRCh37 (hg19) VCF-style: chrX-32563390-ACT-A.
Other names: c.2028_2029del, p.Val677fs (NM_000109.4); c.2040_2041del, p.Val681fs (NM_004009.3); c.1683_1684del, p.Val562fs (NM_004010.3); short protein forms V685fs, V562fs, V677fs, V681fs.
Identifiers: ClinVar variation 287693 (VCV000287693.11), dbSNP rs886043699, ClinGen allele CA10605838.
Genomic context (GRCh38, chrX:32,545,273, plus strand): 5'-GGTGGAAGTTCCTCTTGAGCATGCTTTACCAGGATCTGTTCCCTTGTGGTCACCGTAGTT[ACT>A]GTTTCCATTACAGTTGTCTGTGTTAGTGATGGCTGAGTGGTGGTGACAGCCTGTGAAATC-3'